The following is an entry in ClinVar:

NM_000548.5(TSC2):c.4593_4594delinsTT (p.Gln1532Ter)

Gene: TSC2 (TSC complex subunit 2; plus strand). Cytogenetic location: 16p13.3.
Variant type: Indel.
Coding change: c.4593_4594delinsTT on transcript NM_000548.5 (MANE Select); coding-DNA positions 4593 to 4594, GC replaced by TT.
Protein change: p.Gln1532Ter; replaces glutamine 1532 with a stop codon.
Molecular consequence: nonsense. On other transcripts: non-coding transcript variant (5).
Genome position (GRCh38, 1-based): chr16:2,085,253-2,085,254, GC replaced by TT. VCF-style: chr16-2085253-GC-TT. GRCh37 (hg19) VCF-style: chr16-2135254-GC-TT.
Other names: c.4392_4393delinsTT, p.Gln1465Ter (NM_001077183.3); c.4524_4525delinsTT, p.Gln1509Ter (NM_001114382.3); c.4284_4285delinsTT, p.Gln1429Ter (NM_001318827.2); c.4248_4249delinsTT, p.Gln1417Ter (NM_001318829.2); c.3861_3862delinsTT, p.Gln1288Ter (NM_001318831.2); c.4425_4426delinsTT, p.Gln1476Ter (NM_001318832.2); c.4395_4396delinsTT, p.Gln1466Ter (NM_001363528.2); c.4461_4462delinsTT, p.Gln1488Ter (NM_001370404.1); and 26 more; short protein forms Q1308*, Q1309*, Q1312*, Q1332*, Q1459*, Q1460*, Q1476*, Q1488*.
Identifiers: ClinVar variation 2706790 (VCV002706790.3), dbSNP rs2544322685, ClinGen allele CA2697549585.

ClinVar aggregate classification (germline): Pathogenic (1 of 4 stars; one submission).

Conditions:
Tuberous sclerosis 2 (TSC2). Identifiers: Orphanet 805, MedGen C1860707, MONDO:0013199, OMIM 613254.

Submission:

Labcorp Genetics (formerly Invitae), Labcorp
Classification: Pathogenic for Tuberous sclerosis 2. Last evaluated: 2023-12-31. Review status: criteria provided, single submitter. Criteria: Invitae Variant Classification Sherloc (09022015). Collection method: clinical testing. Allele origin: germline.
Comment: This sequence change creates a premature translational stop signal (p.Gln1532*) in the TSC2 gene. It is expected to result in an absent or disrupted protein product. Loss-of-function variants in TSC2 are known to be pathogenic (PMID: 10205261, 17304050). Information on the frequency of this variant in the gnomAD database is not available, as this variant may be reported differently in the database. This variant has not been reported in the literature in individuals affected with TSC2-related conditions. For these reasons, this variant has been classified as Pathogenic.

Literature cited by the submitters: PubMed 10205261; PubMed 17304050.